The following is an entry in ClinVar:

NM_004629.2(FANCG):c.1480+1G>A

Gene: FANCG (FA complementation group G; minus strand). Cytogenetic location: 9p13.3.
Variant type: single nucleotide variant.
Coding change: c.1480+1G>A on transcript NM_004629.2 (MANE Select); the canonical splice donor site of the intron after coding-DNA position 1480, G replaced by A.
Molecular consequence: splice donor variant.
Genome position (GRCh38, 1-based): chr9:35,075,278, C>T on the plus strand (G>A on the coding strand, the complement: FANCG is on the minus strand). VCF-style: chr9-35075278-C-T. GRCh37 (hg19) VCF-style: chr9-35075275-C-T.
Other names: c.1480+1G>A (NM_004629.1).
Identifiers: ClinVar variation 2675582 (VCV002675582.5), dbSNP rs149616199, ClinGen allele CA373305444.

ClinVar aggregate classification (germline): Likely pathogenic. Review status: criteria provided, multiple submitters, no conflicts (2 of 4 stars). 4 submissions from 4 submitters: Likely pathogenic (4). Last evaluated 2026-02-20.

Conditions:
Fanconi anemia (FA). Also called: Fanconi's anemia. Identifiers: Orphanet 84, MedGen C0015625, MeSH D005199, MONDO:0019391.
Fanconi anemia complementation group G. Also called: FANCG-Related Fanconi Anemia; Fanconi anemia group G. Identifiers: Orphanet 84, MedGen C3469527, MONDO:0013565, OMIM 614082.

Submissions (4):

St. Jude Molecular Pathology, St. Jude Children's Research Hospital
Classification: Likely pathogenic for Fanconi anemia complementation group G. Last evaluated: 2026-02-20. Review status: criteria provided, single submitter. Criteria: St. Jude Assertion Criteria 2020. Collection method: clinical testing. Allele origin: germline.
Comment: The FANCG c.1480+1G>A intronic change results in a G to A substitution at the +1 position of intron 11 of the FANCG gene. RNA sequencing data indicates that this variant leads to the skipping of exon 12 (internal data). Variants that disrupt donor or acceptor splice sites generally result in a loss of protein function, and loss-of-function variants in FANCG are recognized as pathogenic (PMID: 12552564,16199547). To our knowledge, this variant has not been reported in individuals with Fanconi anemia. This variant is absent in gnomAD v2.1.1. In summary, this variant meets criteria to be classified as likely pathogenic.

Labcorp Genetics (formerly Invitae), Labcorp
Classification: Likely pathogenic for Fanconi anemia. Last evaluated: 2026-01-25. Review status: criteria provided, single submitter. Criteria: Invitae Variant Classification Sherloc (09022015). Collection method: clinical testing. Allele origin: germline.
Comment: This sequence change affects a donor splice site in intron 11 of the FANCG gene. It is expected to disrupt RNA splicing. Variants that disrupt the donor or acceptor splice site typically lead to a loss of protein function (PMID: 16199547), and loss-of-function variants in FANCG are known to be pathogenic (PMID: 12552564). This variant is not present in population databases (gnomAD no frequency). Disruption of this splice site has been observed in individual(s) with FANCG-related conditions (PMID: 9806548, 29625052, 35417938). ClinVar contains an entry for this variant (Variation ID: 2675582). Algorithms developed to predict the effect of sequence changes on RNA splicing suggest that this variant may disrupt the consensus splice site. In summary, the currently available evidence indicates that the variant is pathogenic, but additional data are needed to prove that conclusively. Therefore, this variant has been classified as Likely Pathogenic.

Baylor Genetics
Classification: Likely pathogenic for Fanconi anemia complementation group G. Last evaluated: 2022-12-27. Review status: criteria provided, single submitter. Criteria: ACMG Guidelines, 2015. Collection method: clinical testing. Allele origin: unknown.

Juno Genomics, Hangzhou Juno Genomics, Inc
Classification: Likely pathogenic for Fanconi anemia complementation group G. Review status: criteria provided, single submitter. Criteria: ACMG Guidelines, 2015. Collection method: clinical testing. Allele origin: germline.
Comment: Null variant in a gene where loss of function (LOF) is a known mechanism of disease.;Absent from controls (or at extremely low frequency if recessive) in Genome Aggregation Database.

Literature cited by the submitters: PubMed 16199547 (cited by Labcorp Genetics (formerly Invitae), Labcorp); PubMed 12552564 (cited by Labcorp Genetics (formerly Invitae), Labcorp); PubMed 9806548 (cited by Labcorp Genetics (formerly Invitae), Labcorp); PubMed 29625052 (cited by Labcorp Genetics (formerly Invitae), Labcorp); PubMed 35417938 (cited by Labcorp Genetics (formerly Invitae), Labcorp).